The following is an entry in ClinVar:

ClinVar aggregate classification (germline): Uncertain significance. Review status: criteria provided, multiple submitters, no conflicts (2 of 4 stars). 3 submissions from 3 submitters: Uncertain significance (3). Last evaluated 2025-09-21.

Conditions:
Hereditary cancer-predisposing syndrome. Also called: Neoplastic Syndromes, Hereditary; Hereditary neoplastic syndrome; Tumor predisposition; Hereditary Cancer Syndrome. Identifiers: Orphanet 140162, MedGen C0027672, MeSH D009386, MONDO:0015356.

Submissions (3):

Labcorp Genetics (formerly Invitae), Labcorp
Classification: Uncertain significance. Last evaluated: 2025-09-21. Review status: criteria provided, single submitter. Criteria: Invitae Variant Classification Sherloc (09022015). Collection method: clinical testing. Allele origin: germline.
Comment: This sequence change replaces alanine, which is neutral and non-polar, with valine, which is neutral and non-polar, at codon 597 of the CTNNA1 protein (p.Ala597Val). This variant is not present in population databases (gnomAD no frequency). This variant has not been reported in the literature in individuals affected with CTNNA1-related conditions. ClinVar contains an entry for this variant (Variation ID: 839444). Invitae Evidence Modeling of protein sequence and biophysical properties (such as structural, functional, and spatial information, amino acid conservation, physicochemical variation, residue mobility, and thermodynamic stability) has been performed for this missense variant. However, the output from this modeling did not meet the statistical confidence thresholds required to predict the impact of this variant on CTNNA1 protein function. In summary, the available evidence is currently insufficient to determine the role of this variant in disease. Therefore, it has been classified as a Variant of Uncertain Significance.

GeneDx
Classification: Uncertain significance. Last evaluated: 2025-08-18. Review status: criteria provided, single submitter. Criteria: GeneDx Variant Classification Process June 2021. Collection method: clinical testing. Allele origin: germline.
Comment: Not observed at significant frequency in large population cohorts (gnomAD); In silico analysis supports that this missense variant has a deleterious effect on protein structure/function; Observed in individuals referred for hereditary cancer multi-gene panel testing (PMID: 32051609); This variant is associated with the following publications: (PMID: 32051609)

Ambry Genetics
Classification: Uncertain significance for Hereditary cancer-predisposing syndrome. Last evaluated: 2024-11-22. Review status: criteria provided, single submitter. Criteria: Ambry Variant Classification Scheme 2023. Collection method: clinical testing. Allele origin: germline.
Comment: The p.A597V variant (also known as c.1790C>T), located in coding exon 12 of the CTNNA1 gene, results from a C to T substitution at nucleotide position 1790. The alanine at codon 597 is replaced by valine, an amino acid with similar properties. This amino acid position is highly conserved in available vertebrate species. In addition, the in silico prediction for this alteration is inconclusive. The evidence for this gene-disease relationship is limited; therefore, the clinical significance of this alteration is unclear.

NM_001903.5(CTNNA1):c.1790C>T (p.Ala597Val)

Gene: CTNNA1 (catenin alpha 1; plus strand). Cytogenetic location: 5q31.2.
Variant type: single nucleotide variant.
Coding change: c.1790C>T on transcript NM_001903.5 (MANE Select); coding-DNA position 1790, C replaced by T.
Protein change: p.Ala597Val; replaces alanine 597 with valine.
Molecular consequence: missense variant.
Genome position (GRCh38, 1-based): chr5:138,925,298, C>T. VCF-style: chr5-138925298-C-T. GRCh37 (hg19) VCF-style: chr5-138260987-C-T.
Other names: c.680C>T, p.Ala227Val (NM_001324001.1, NM_001324002.1, NM_001324003.1 and 17 more transcripts); c.341C>T, p.Ala114Val (NM_001324006.1, NM_001324007.1, NM_001324008.1 and 2 more transcripts); c.1790C>T, p.Ala597Val (NM_001290307.3, NM_001323982.2, NM_001323983.1 and 2 more transcripts); c.1481C>T, p.Ala494Val (NM_001290309.3); c.1421C>T, p.Ala474Val (NM_001290310.3); c.1697C>T, p.Ala566Val (NM_001323986.2); c.587C>T, p.Ala196Val (NM_001324011.1); c.437C>T, p.Ala146Val (NM_001324012.1, NM_001324013.1); short protein forms A474V, A566V, A196V, A494V, A146V, A114V, A227V, A597V.
Identifiers: ClinVar variation 839444 (VCV000839444.13), dbSNP rs1763774286, ClinGen allele CA361132211.